The following is an entry in ClinVar:

NM_017780.4(CHD7):c.4795C>G (p.Gln1599Glu)

Gene: CHD7 (chromodomain helicase DNA binding protein 7; plus strand). Cytogenetic location: 8q12.2.
Variant type: single nucleotide variant.
Coding change: c.4795C>G on transcript NM_017780.4 (MANE Select); coding-DNA position 4795, C replaced by G.
Protein change: p.Gln1599Glu; replaces glutamine 1599 with glutamic acid.
Molecular consequence: missense variant. On other transcripts: intron variant (1).
Genome position (GRCh38, 1-based): chr8:60,841,997, C>G. VCF-style: chr8-60841997-C-G. GRCh37 (hg19) VCF-style: chr8-61754556-C-G.
Other names: c.1717-20232C>G (NM_001316690.1); short protein forms Q1599E.
Identifiers: ClinVar variation 1313796 (VCV001313796.8), dbSNP rs267606724, ClinGen allele CA4760193.

ClinVar aggregate classification (germline): Conflicting classifications of pathogenicity. Review status: criteria provided, conflicting classifications (1 of 4 stars). 3 submissions from 3 submitters: Uncertain significance (2); Likely benign (1). Last evaluated 2025-07-14.

Conditions:
Hypogonadotropic hypogonadism 5 with or without anosmia (KAL5). Also called: HYPOGONADOTROPIC HYPOGONADISM 5 WITH ANOSMIA; CHD7-Related GnRH Deficiency (Kallmann Syndrome 5); HYPOGONADOTROPHIC HYPOGONADISM 5 WITHOUT ANOSMIA. Identifiers: Orphanet 478, MedGen C3552553, MONDO:0012880, OMIM 612370. Disease mechanism: loss of function.
CHARGE syndrome (CHARGE). Also called: Hittner Hirsch Kreh syndrome; CHARGE ASSOCIATION--COLOBOMA, HEART ANOMALY, CHOANAL ATRESIA, RETARDATION, GENITAL AND EAR ANOMALIES; Coloboma, heart anomaly, choanal atresia, retardation, genital and ear anomalies; CHARGE association; Hall-Hittner syndrome. Identifiers: Orphanet 138, MedGen C0265354, MONDO:0008965.

Allele frequency attached by ClinVar (database versions not stated): ExAC 0.00001; gnomAD exomes 0.00001; TOPMed 0.00002.
gnomAD v4.1: 20 of 1,613,964 alleles (0.0012%); highest among the groups gnomAD compares: Non-Finnish European, 0.0017%; no homozygotes.

Submissions (3):

Labcorp Genetics (formerly Invitae), Labcorp
Classification: Likely benign for CHARGE syndrome. Last evaluated: 2025-07-14. Review status: criteria provided, single submitter. Criteria: Invitae Variant Classification Sherloc (09022015). Collection method: clinical testing. Allele origin: germline.

Fulgent Genetics
Classification: Uncertain significance for CHD7-related CHARGE syndrome; Hypogonadotropic hypogonadism 5 with or without anosmia. Last evaluated: 2022-04-16. Review status: criteria provided, single submitter. Criteria: ACMG Guidelines, 2015. Collection method: clinical testing. Allele origin: unknown.

GeneDx
Classification: Uncertain significance. Last evaluated: 2020-12-31. Review status: criteria provided, single submitter. Criteria: GeneDx Variant Classification Process June 2021. Collection method: clinical testing. Allele origin: germline. Affected: yes.
Comment: Not observed at a significant frequency in large population cohorts (Lek et al., 2016); In silico analysis supports that this missense variant does not alter protein structure/function; Has not been previously published as pathogenic or benign to our knowledge